The following is an entry in ClinVar:

ClinVar aggregate classification (germline): Uncertain significance (1 of 4 stars; one submission).

Conditions:
Cardiovascular phenotype. Identifiers: MedGen CN230736.

Allele frequency attached by ClinVar (database versions not stated): ExAC 0.00001; gnomAD exomes 0.00001; TOPMed 0.00001; gnomAD 0.00002; ESP Exome Variant Server 0.00008.
gnomAD v4.1: 9 of 1,613,964 alleles (0.00056%); highest among the groups gnomAD compares: Non-Finnish European, 0.00076%; no homozygotes.

Submission:

Ambry Genetics
Classification: Uncertain significance for Cardiovascular phenotype. Last evaluated: 2021-06-22. Review status: criteria provided, single submitter. Criteria: Ambry Variant Classification Scheme 2023. Collection method: clinical testing. Allele origin: germline.
Comment: The p.S467P variant (also known as c.1399T>C), located in coding exon 10 of the SCN10A gene, results from a T to C substitution at nucleotide position 1399. The serine at codon 467 is replaced by proline, an amino acid with similar properties. This amino acid position is conserved. In addition, the in silico prediction for this alteration is inconclusive. Since supporting evidence is limited at this time, the clinical significance of this alteration remains unclear.

NM_006514.4(SCN10A):c.1399T>C (p.Ser467Pro)

Gene: SCN10A (sodium voltage-gated channel alpha subunit 10; minus strand). Cytogenetic location: 3p22.2.
Variant type: single nucleotide variant.
Coding change: c.1399T>C on transcript NM_006514.4 (MANE Select); coding-DNA position 1399, T replaced by C.
Protein change: p.Ser467Pro; replaces serine 467 with proline.
Molecular consequence: missense variant.
Genome position (GRCh38, 1-based): chr3:38,755,850, A>G on the plus strand (T>C on the coding strand, the complement: SCN10A is on the minus strand). VCF-style: chr3-38755850-A-G. GRCh37 (hg19) VCF-style: chr3-38797341-A-G.
Other names: c.1399T>C, p.Ser467Pro (NM_001293306.2, NM_001293307.2); short protein forms S467P.
Identifiers: ClinVar variation 1771708 (VCV001771708.2), dbSNP rs373895507, ClinGen allele CA2320878.